The following is an entry in ClinVar:

NM_004523.4(KIF11):c.2117A>G (p.Asn706Ser)

Gene: KIF11 (kinesin family member 11; plus strand). Cytogenetic location: 10q23.33.
Variant type: single nucleotide variant.
Coding change: c.2117A>G on transcript NM_004523.4 (MANE Select); coding-DNA position 2117, A replaced by G.
Protein change: p.Asn706Ser; replaces asparagine 706 with serine.
Molecular consequence: missense variant.
Genome position (GRCh38, 1-based): chr10:92,637,502, A>G. VCF-style: chr10-92637502-A-G. GRCh37 (hg19) VCF-style: chr10-94397259-A-G.
Other names: short protein forms N706S.
Identifiers: ClinVar variation 3644659 (VCV003644659.2).

ClinVar aggregate classification (germline): Uncertain significance (1 of 4 stars; one submission).

gnomAD v4.1: 2 of 1,606,880 alleles (0.00012%); no homozygotes.

Submission:

Labcorp Genetics (formerly Invitae), Labcorp
Classification: Uncertain significance. Last evaluated: 2024-07-06. Review status: criteria provided, single submitter. Criteria: Invitae Variant Classification Sherloc (09022015). Collection method: clinical testing. Allele origin: germline.
Comment: This sequence change replaces asparagine, which is neutral and polar, with serine, which is neutral and polar, at codon 706 of the KIF11 protein (p.Asn706Ser). This variant is present in population databases (rs748971476, gnomAD 0.0009%). This variant has not been reported in the literature in individuals affected with KIF11-related conditions. Advanced modeling of protein sequence and biophysical properties (such as structural, functional, and spatial information, amino acid conservation, physicochemical variation, residue mobility, and thermodynamic stability) performed at Invitae indicates that this missense variant is not expected to disrupt KIF11 protein function with a negative predictive value of 80%. In summary, the available evidence is currently insufficient to determine the role of this variant in disease. Therefore, it has been classified as a Variant of Uncertain Significance.